The following is an entry in ClinVar:

NM_000268.4(NF2):c.1615C>G (p.Leu539Val)

Gene: NF2 (NF2, moesin-ezrin-radixin like (MERLIN) tumor suppressor; plus strand). Cytogenetic location: 22q12.2.
Variant type: single nucleotide variant.
Coding change: c.1615C>G on transcript NM_000268.4 (MANE Select); coding-DNA position 1615, C replaced by G.
Protein change: p.Leu539Val; replaces leucine 539 with valine.
Molecular consequence: missense variant. On other transcripts: intron variant (3).
Genome position (GRCh38, 1-based): chr22:29,681,479, C>G. VCF-style: chr22-29681479-C-G. GRCh37 (hg19) VCF-style: chr22-30077468-C-G.
Other names: c.1501C>G, p.Leu501Val (NM_001407053.1, NM_001407056.1); c.1492C>G, p.Leu498Val (NM_001407054.1, NM_001407058.1, NM_181829.3); c.1489C>G, p.Leu497Val (NM_001407055.1, NM_181828.3); c.1480C>G, p.Leu494Val (NM_001407057.1, NM_001407059.1); c.1357C>G, p.Leu453Val (NM_001407062.1); c.1366C>G, p.Leu456Val (NM_001407063.1, NM_181830.3, NM_181831.3); c.1081C>G, p.Leu361Val (NM_001407065.1); c.1615C>G, p.Leu539Val (NM_001407066.1, NM_016418.5, NM_181825.3 and 1 more transcripts); and 4 more; short protein forms L361V, L453V, L456V, L462V, L494V, L497V, L498V, L501V.
Identifiers: ClinVar variation 2677249 (VCV002677249.4), dbSNP rs2518734409, ClinGen allele CA411150081.

ClinVar aggregate classification (germline): Uncertain significance. Review status: criteria provided, multiple submitters, no conflicts (2 of 4 stars). 3 submissions from 3 submitters: Uncertain significance (3). Last evaluated 2024-05-29.

Conditions:
Familial meningioma. Also called: Meningioma, familial, susceptibility to. Identifiers: Orphanet 263662, MedGen C3551915, MONDO:0011789, OMIM 607174.
Hereditary cancer-predisposing syndrome. Also called: Neoplastic Syndromes, Hereditary; Tumor predisposition; Hereditary Cancer Syndrome; Hereditary neoplastic syndrome. Identifiers: Orphanet 140162, MedGen C0027672, MeSH D009386, MONDO:0015356.
Neurofibromatosis, type 2 (SWNV). Also called: BILATERAL ACOUSTIC NEUROFIBROMATOSIS; SCHWANNOMATOSIS, VESTIBULAR; NF2-Related Schwannomatosis. Identifiers: Orphanet 637, MedGen C0027832, MONDO:0007039, OMIM 101000. Disease mechanism: loss of function.

Allele frequency attached by ClinVar (database versions not stated): gnomAD exomes below 0.00001.

Submissions (3):

Labcorp Genetics (formerly Invitae), Labcorp
Classification: Uncertain significance for Neurofibromatosis, type 2. Last evaluated: 2024-05-29. Review status: criteria provided, single submitter. Criteria: Invitae Variant Classification Sherloc (09022015). Collection method: clinical testing. Allele origin: germline.
Comment: This sequence change replaces leucine, which is neutral and non-polar, with valine, which is neutral and non-polar, at codon 539 of the NF2 protein (p.Leu539Val). This variant is not present in population databases (gnomAD no frequency). This variant has not been reported in the literature in individuals affected with NF2-related conditions. Advanced modeling of protein sequence and biophysical properties (such as structural, functional, and spatial information, amino acid conservation, physicochemical variation, residue mobility, and thermodynamic stability) performed at Invitae indicates that this missense variant is expected to disrupt NF2 protein function with a positive predictive value of 80%. In summary, the available evidence is currently insufficient to determine the role of this variant in disease. Therefore, it has been classified as a Variant of Uncertain Significance.

Ambry Genetics
Classification: Uncertain significance for Hereditary cancer-predisposing syndrome. Last evaluated: 2024-04-19. Review status: criteria provided, single submitter. Criteria: Ambry Variant Classification Scheme 2023. Collection method: clinical testing. Allele origin: germline.
Comment: The p.L539V variant (also known as c.1615C>G), located in coding exon 15 of the NF2 gene, results from a C to G substitution at nucleotide position 1615. The leucine at codon 539 is replaced by valine, an amino acid with highly similar properties. This amino acid position is conserved. In addition, this alteration is predicted to be deleterious by in silico analysis. Based on the available evidence, the clinical significance of this variant remains unclear.

Baylor Genetics
Classification: Uncertain significance for Familial meningioma. Last evaluated: 2023-07-28. Review status: criteria provided, single submitter. Criteria: ACMG Guidelines, 2015. Collection method: clinical testing. Allele origin: unknown.